The following is an entry in ClinVar:

ClinVar aggregate classification (germline): Pathogenic/Likely pathogenic. Review status: criteria provided, multiple submitters, no conflicts (2 of 4 stars). 3 submissions from 3 submitters: Pathogenic (1); Likely pathogenic (1). 1 of the submissions does not count toward it. Last evaluated 2025-07-23.

Conditions:
Tyrosinemia type II (TYRSN2). Also called: KERATOSIS PALMOPLANTARIS WITH CORNEAL DYSTROPHY; OREGON TYPE TYROSINEMIA; TAT DEFICIENCY; TYROSINE AMINOTRANSFERASE DEFICIENCY; TYROSINE TRANSAMINASE DEFICIENCY. Identifiers: Orphanet 28378, MedGen C0268487, MONDO:0010160, OMIM 276600.

Allele frequency attached by ClinVar (database versions not stated): ExAC below 0.00001; gnomAD 0.00001; TOPMed 0.00001; gnomAD exomes 0.00002.
gnomAD v4.1: 35 of 1,553,796 alleles (0.0023%); highest among the groups gnomAD compares: Non-Finnish European, 0.0024%; no homozygotes.

Submissions (3):

Labcorp Genetics (formerly Invitae), Labcorp
Classification: Pathogenic for Tyrosinemia type II. Last evaluated: 2025-07-23. Review status: criteria provided, single submitter. Criteria: Invitae Variant Classification Sherloc (09022015). Collection method: clinical testing. Allele origin: germline.
Comment: This sequence change replaces arginine, which is basic and polar, with tryptophan, which is neutral and slightly polar, at codon 119 of the TAT protein (p.Arg119Trp). This variant is present in population databases (rs758306831, gnomAD 0.007%). This missense change has been observed in individuals with tyrosinemia type II (PMID: 9544843, 25784227, 28255985; internal data). ClinVar contains an entry for this variant (Variation ID: 550997). Invitae Evidence Modeling of protein sequence and biophysical properties (such as structural, functional, and spatial information, amino acid conservation, physicochemical variation, residue mobility, and thermodynamic stability) indicates that this missense variant is expected to disrupt TAT protein function with a positive predictive value of 80%. For these reasons, this variant has been classified as Pathogenic.

Fulgent Genetics
Classification: Likely pathogenic for Tyrosinemia type II. Last evaluated: 2024-02-13. Review status: criteria provided, single submitter. Criteria: ACMG Guidelines, 2015. Collection method: clinical testing. Allele origin: germline.

Counsyl
Classification: Uncertain significance for Tyrosinemia type II. Last evaluated: 2017-03-15. Review status: no assertion criteria provided. Collection method: clinical testing. Allele origin: unknown. Not counted in ClinVar's aggregate classification.

Literature cited by the submitters: PubMed 9544843 (cited by Labcorp Genetics (formerly Invitae), Labcorp and Counsyl); PubMed 25784227 (cited by Labcorp Genetics (formerly Invitae), Labcorp and Counsyl); PubMed 28255985 (cited by Labcorp Genetics (formerly Invitae), Labcorp).

NM_000353.3(TAT):c.355C>T (p.Arg119Trp)

Gene: TAT (tyrosine aminotransferase; minus strand). Cytogenetic location: 16q22.2.
Variant type: single nucleotide variant.
Coding change: c.355C>T on transcript NM_000353.3 (MANE Select); coding-DNA position 355, C replaced by T.
Protein change: p.Arg119Trp; replaces arginine 119 with tryptophan.
Molecular consequence: missense variant.
Genome position (GRCh38, 1-based): chr16:71,573,592, G>A on the plus strand (C>T on the coding strand, the complement: TAT is on the minus strand). VCF-style: chr16-71573592-G-A. GRCh37 (hg19) VCF-style: chr16-71607495-G-A.
Other names: short protein forms R119W.
Identifiers: ClinVar variation 550997 (VCV000550997.12), dbSNP rs758306831, ClinGen allele CA8154001.